The following is an entry in ClinVar:

ClinVar aggregate classification (germline): Uncertain significance. Review status: criteria provided, multiple submitters, no conflicts (2 of 4 stars). 2 submissions from 2 submitters: Uncertain significance (2). Last evaluated 2025-10-14.

Conditions:
Inborn genetic diseases. Identifiers: MedGen C0950123, MeSH D030342.

Allele frequency attached by ClinVar (database versions not stated): gnomAD 0.00001; ExAC 0.00006; TOPMed below 0.00001; gnomAD exomes 0.00003.
gnomAD v4.1: 51 of 1,614,056 alleles (0.0032%); highest among the groups gnomAD compares: Middle Eastern, 0.033%; no homozygotes.

Submissions (2):

Ambry Genetics
Classification: Uncertain significance for Inborn genetic diseases. Last evaluated: 2025-10-14. Review status: criteria provided, single submitter. Criteria: Ambry Variant Classification Scheme 2023. Collection method: clinical testing. Allele origin: germline.

Labcorp Genetics (formerly Invitae), Labcorp
Classification: Uncertain significance. Last evaluated: 2022-06-11. Review status: criteria provided, single submitter. Criteria: Invitae Variant Classification Sherloc (09022015). Collection method: clinical testing. Allele origin: germline.
Comment: This sequence change replaces glutamic acid, which is acidic and polar, with glycine, which is neutral and non-polar, at codon 364 of the MYSM1 protein (p.Glu364Gly). This variant is present in population databases (rs554392691, gnomAD 0.03%). This variant has not been reported in the literature in individuals affected with MYSM1-related conditions. Algorithms developed to predict the effect of missense changes on protein structure and function output the following: SIFT: "Deleterious"; PolyPhen-2: "Benign"; Align-GVGD: "Class C15". The glycine amino acid residue is found in multiple mammalian species, which suggests that this missense change does not adversely affect protein function. In summary, the available evidence is currently insufficient to determine the role of this variant in disease. Therefore, it has been classified as a Variant of Uncertain Significance.

NM_001085487.3(MYSM1):c.1091A>G (p.Glu364Gly)

Gene: MYSM1 (Myb like, SWIRM and MPN domains 1; minus strand). Cytogenetic location: 1p32.1.
Variant type: single nucleotide variant.
Coding change: c.1091A>G on transcript NM_001085487.3 (MANE Select); coding-DNA position 1091, A replaced by G.
Protein change: p.Glu364Gly; replaces glutamic acid 364 with glycine.
Molecular consequence: missense variant.
Genome position (GRCh38, 1-based): chr1:58,681,953, T>C on the plus strand (A>G on the coding strand, the complement: MYSM1 is on the minus strand). VCF-style: chr1-58681953-T-C. GRCh37 (hg19) VCF-style: chr1-59147625-T-C.
Other names: c.1091A>G (NM_001085487.2); short protein forms E364G.
Identifiers: ClinVar variation 1901903 (VCV001901903.3), dbSNP rs554392691, ClinGen allele CA877913.